The following is an entry in ClinVar:

NM_001103.4(ACTN2):c.1057C>T (p.Arg353Trp)

Gene: ACTN2 (actinin alpha 2; plus strand). Cytogenetic location: 1q43.
Variant type: single nucleotide variant.
Coding change: c.1057C>T on transcript NM_001103.4 (MANE Select); coding-DNA position 1057, C replaced by T.
Protein change: p.Arg353Trp; replaces arginine 353 with tryptophan.
Molecular consequence: missense variant.
Genome position (GRCh38, 1-based): chr1:236,739,482, C>T. VCF-style: chr1-236739482-C-T. GRCh37 (hg19) VCF-style: chr1-236902782-C-T.
Other names: c.1057C>T, p.Arg353Trp (NM_001278343.2); c.433C>T, p.Arg145Trp (NM_001278344.2); short protein forms R353W, R145W.
Identifiers: ClinVar variation 43893 (VCV000043893.21), dbSNP rs1150181, ClinGen allele CA133107.
Genomic context (GRCh38, chr1:236,739,482, plus strand): 5'-CCCAAGGTGCAGGAGAAATGCCAGCTGGAGATCAACTTCAACACGCTGCAGACCAAGCTG[C>T]GGATCAGCAACCGTCCTGCCTTCATGCCCTCCGAGGGCAAGATGGTGTCGGTGAGTAGCA-3'
Protein context (NP_001094.1, residues 343-363): INFNTLQTKL[Arg353Trp]ISNRPAFMPS

ClinVar aggregate classification (germline): Conflicting classifications of pathogenicity. Review status: criteria provided, conflicting classifications (1 of 4 stars). 7 submissions from 7 submitters: Uncertain significance (5); Likely benign (2). Last evaluated 2026-01-11.

Conditions:
Cardiovascular phenotype. Identifiers: MedGen CN230736.
Cardiomyopathy (CMYO). Also called: Cardiomyopathies. Identifiers: Orphanet 167848, MedGen C0878544, MONDO:0004994, HP:0001638. Inheritance: Various modes of inheritance.
Dilated cardiomyopathy 1AA (CMD1AA). Also called: CARDIOMYOPATHY, DILATED, 1AA, WITH OR WITHOUT LEFT VENTRICULAR NONCOMPACTION; CARDIOMYOPATHY, FAMILIAL HYPERTROPHIC, 23, WITH OR WITHOUT LEFT VENTRICULAR NONCOMPACTION; Cardiomyopathy, dilated, 1AA, with or without LVNC. Identifiers: Orphanet 154, MedGen C2677338, MONDO:0012808, OMIM 612158.
Primary familial hypertrophic cardiomyopathy (HCM). Identifiers: Orphanet 99739, MedGen C0949658, MeSH D024741, MONDO:0024573. Inheritance: Various modes of inheritance.

Allele frequency attached by ClinVar (database versions not stated): ExAC 0.00002; gnomAD 0.00002 and 0.00003; gnomAD exomes 0.00002 and 0.00003; TOPMed 0.00002.
gnomAD v4.1: 45 of 1,614,024 alleles (0.0028%); highest among the groups gnomAD compares: Non-Finnish European, 0.0036%; no homozygotes.

Submissions (7):

Labcorp Genetics (formerly Invitae), Labcorp
Classification: Likely benign for Primary familial hypertrophic cardiomyopathy; Dilated cardiomyopathy 1AA. Last evaluated: 2026-01-11. Review status: criteria provided, single submitter. Criteria: Invitae Variant Classification Sherloc (09022015). Collection method: clinical testing. Allele origin: germline.

Molecular Diagnostic Laboratory for Inherited Cardiovascular Disease, Montreal Heart Institute
Classification: Uncertain significance for Cardiovascular phenotype. Last evaluated: 2025-04-09. Review status: criteria provided, single submitter. Criteria: ACMG Guidelines, 2015. Collection method: clinical testing. Allele origin: germline. Affected: yes.
Comment: PM2;PP3

GeneDx
Classification: Uncertain significance. Last evaluated: 2024-08-26. Review status: criteria provided, single submitter. Criteria: GeneDx Variant Classification Process June 2021. Collection method: clinical testing. Allele origin: germline. Affected: yes.
Comment: Identified in a patient with HCM in published literature (PMID: 27532257); Not observed at significant frequency in large population cohorts (gnomAD); In silico analysis supports that this missense variant has a deleterious effect on protein structure/function; This variant is associated with the following publications: (PMID: 27532257)

Blueprint Genetics
Classification: Likely benign. Last evaluated: 2023-01-11. Review status: criteria provided, single submitter. Criteria: ACMG Guidelines, 2015. Collection method: clinical testing. Allele origin: germline.

Ambry Genetics
Classification: Uncertain significance for Cardiovascular phenotype. Last evaluated: 2022-01-07. Review status: criteria provided, single submitter. Criteria: Ambry Variant Classification Scheme 2023. Collection method: clinical testing. Allele origin: germline.

CHEO Genetics Diagnostic Laboratory, Children's Hospital of Eastern Ontario
Classification: Uncertain significance for Cardiomyopathy. Last evaluated: 2017-11-28. Review status: criteria provided, single submitter. Criteria: ACMG Guidelines, 2015. Collection method: clinical testing. Allele origin: germline.

Laboratory for Molecular Medicine, Mass General Brigham Personalized Medicine
Classification: Uncertain significance. Last evaluated: 2013-08-08. Review status: criteria provided, single submitter. Criteria: LMM Criteria. Collection method: clinical testing. Allele origin: germline. Observed: 2 variant alleles.
Comment: The Arg353Trp variant in ACTN2 has now been identified by our laboratory in 2 in dividuals with HCM, one of whom also carried a pathogenic variant in another gen e. The Arg353Trp variant has not been identified in large population studies. Co mputational analyses (biochemical amino acid properties, conservation, AlignGVGD , PolyPhen2, and SIFT) suggest that the Arg353Trp variant may impact the protein , though this information is not predictive enough to determine pathogenicity. Additional information is needed to fully assess the clinical significance of th e Arg353Trp variant.